The following is an entry in ClinVar:

ClinVar aggregate classification (germline): Likely benign (1 of 4 stars; one submission).

Conditions:
Collagen 6-related myopathy. Identifiers: MedGen CN117976, MONDO:0100225.

Allele frequency attached by ClinVar (database versions not stated): TOPMed below 0.00001; gnomAD exomes 0.00002; ExAC 0.00006.
gnomAD v4.1: 9 of 1,601,968 alleles (0.00056%); highest among the groups gnomAD compares: Non-Finnish European, 0.00077%; no homozygotes.

Submission:

Illumina Laboratory Services, Illumina
Classification: Likely benign for Collagen VI-related myopathy. Last evaluated: 2018-01-13. Review status: criteria provided, single submitter. Criteria: ICSL Variant Classification Criteria 13 December 2019. Collection method: clinical testing. Allele origin: germline.
Comment: This variant was observed in the ICSL laboratory as part of a predisposition screen in an ostensibly healthy population. It had not been previously curated by ICSL or reported in the Human Gene Mutation Database (HGMD: prior to June 1st, 2018), and was therefore a candidate for classification through an automated scoring system. Utilizing variant allele frequency, disease prevalence and penetrance estimates, and inheritance mode, an automated score was calculated to assess if this variant is too frequent to cause the disease. Based on the score and internal cut-off values, a variant classified as likely benign is not then subjected to further curation. The score for this variant resulted in a classification of likely benign for this disease.

NM_001848.3(COL6A1):c.2917G>T (p.Val973Phe)

Gene: COL6A1 (collagen type VI alpha 1 chain; plus strand). Cytogenetic location: 21q22.3.
Variant type: single nucleotide variant.
Coding change: c.2917G>T on transcript NM_001848.3 (MANE Select); coding-DNA position 2917, G replaced by T.
Protein change: p.Val973Phe; replaces valine 973 with phenylalanine.
Molecular consequence: missense variant.
Genome position (GRCh38, 1-based): chr21:46,003,843, G>T. VCF-style: chr21-46003843-G-T. GRCh37 (hg19) VCF-style: chr21-47423757-G-T.
Other names: short protein forms V973F.
Identifiers: ClinVar variation 895892 (VCV000895892.4), dbSNP rs763463926, ClinGen allele CA10071073.